The following is an entry in ClinVar:

NM_004807.3(HS6ST1):c.561C>T (p.Pro187=)

Gene: HS6ST1 (heparan sulfate 6-O-sulfotransferase 1; minus strand). Cytogenetic location: 2q14.3.
Variant type: single nucleotide variant.
Coding change: c.561C>T on transcript NM_004807.3 (MANE Select); coding-DNA position 561, C replaced by T.
Protein change: p.Pro187=; no amino-acid change (proline 187 retained).
Molecular consequence: synonymous variant.
Genome position (GRCh38, 1-based): chr2:128,268,837, G>A on the plus strand (C>T on the coding strand, the complement: HS6ST1 is on the minus strand). VCF-style: chr2-128268837-G-A. GRCh37 (hg19) VCF-style: chr2-129026411-G-A.
Identifiers: ClinVar variation 1549772 (VCV001549772.32), dbSNP rs200713281, ClinGen allele CA1867598.

ClinVar aggregate classification (germline): Benign/Likely benign. Review status: criteria provided, multiple submitters, no conflicts (2 of 4 stars). 3 submissions from 3 submitters: Benign (1); Likely benign (2). Last evaluated 2026-07-01.

Allele frequency attached by ClinVar (database versions not stated): ESP Exome Variant Server 0.00008; 1000 Genomes Project 30x 0.00016; 1000 Genomes Project 0.00020; TOPMed 0.00049; gnomAD exomes 0.00056 and 0.00070; gnomAD 0.00062 and 0.00068; ExAC 0.00064.

Submissions (3):

CeGaT Center for Human Genetics Tuebingen
Classification: Likely benign. Last evaluated: 2026-07-01. Review status: criteria provided, single submitter. Criteria: CeGaT Center For Human Genetics Tuebingen Variant Classification Criteria Version 2. Collection method: clinical testing. Allele origin: germline. Affected: yes. Observed: 2 variant alleles.
Comment: HS6ST1: BP4, BP7

Labcorp Genetics (formerly Invitae), Labcorp
Classification: Benign. Last evaluated: 2025-10-02. Review status: criteria provided, single submitter. Criteria: Invitae Variant Classification Sherloc (09022015). Collection method: clinical testing. Allele origin: germline.

Blueprint Genetics
Classification: Likely benign. Last evaluated: 2024-10-11. Review status: criteria provided, single submitter. Criteria: ACMG Guidelines, 2015. Collection method: clinical testing. Allele origin: germline.